The following is an entry in ClinVar:

NM_006516.4(SLC2A1):c.1045A>G (p.Ile349Val)

Gene: SLC2A1 (solute carrier family 2 member 1; minus strand). Cytogenetic location: 1p34.2.
Variant type: single nucleotide variant.
Coding change: c.1045A>G on transcript NM_006516.4 (MANE Select); coding-DNA position 1045, A replaced by G.
Protein change: p.Ile349Val; replaces isoleucine 349 with valine.
Molecular consequence: missense variant.
Genome position (GRCh38, 1-based): chr1:42,928,961, T>C on the plus strand (A>G on the coding strand, the complement: SLC2A1 is on the minus strand). VCF-style: chr1-42928961-T-C. GRCh37 (hg19) VCF-style: chr1-43394632-T-C.
Other names: short protein forms I349V.
Identifiers: ClinVar variation 2172397 (VCV002172397.5), dbSNP rs1202505639, ClinGen allele CA339955678.

ClinVar aggregate classification (germline): Uncertain significance. Review status: criteria provided, multiple submitters, no conflicts (2 of 4 stars). 2 submissions from 2 submitters: Uncertain significance (2). Last evaluated 2024-12-23.

Conditions:
GLUT1 deficiency syndrome 1, autosomal recessive. Identifiers: MedGen C3149117.

Allele frequency attached by ClinVar (database versions not stated): gnomAD exomes below 0.00001; gnomAD 0.00001; TOPMed 0.00001.
gnomAD v4.1: 3 of 1,613,938 alleles (0.00019%); highest among the groups gnomAD compares: South Asian, 0.0011%; no homozygotes.

Submissions (2):

Revvity Omics, Revvity
Classification: Uncertain significance. Last evaluated: 2024-12-23. Review status: criteria provided, single submitter. Criteria: ACMG Guidelines, 2015. Collection method: clinical testing. Allele origin: germline.

Labcorp Genetics (formerly Invitae), Labcorp
Classification: Uncertain significance for GLUT1 deficiency syndrome 1, autosomal recessive. Last evaluated: 2023-05-30. Review status: criteria provided, single submitter. Criteria: Invitae Variant Classification Sherloc (09022015). Collection method: clinical testing. Allele origin: germline.
Comment: This sequence change replaces isoleucine, which is neutral and non-polar, with valine, which is neutral and non-polar, at codon 349 of the SLC2A1 protein (p.Ile349Val). This variant is present in population databases (no rsID available, gnomAD 0.0009%). In summary, the available evidence is currently insufficient to determine the role of this variant in disease. Therefore, it has been classified as a Variant of Uncertain Significance. Advanced modeling of protein sequence and biophysical properties (such as structural, functional, and spatial information, amino acid conservation, physicochemical variation, residue mobility, and thermodynamic stability) performed at Invitae indicates that this missense variant is not expected to disrupt SLC2A1 protein function. ClinVar contains an entry for this variant (Variation ID: 2172397). This variant has not been reported in the literature in individuals affected with SLC2A1-related conditions.